The following is an entry in ClinVar:

ClinVar aggregate classification (germline): Uncertain significance (1 of 4 stars; one submission).

Conditions:
Cardiovascular phenotype. Identifiers: MedGen CN230736.

Allele frequency attached by ClinVar (database versions not stated): gnomAD exomes below 0.00001; TOPMed below 0.00001.
gnomAD v4.1: 1 of 1,613,896 alleles (0.000062%); highest among the groups gnomAD compares: Non-Finnish European, 0.000085%; no homozygotes.

Submission:

Ambry Genetics
Classification: Uncertain significance for Cardiovascular phenotype. Last evaluated: 2021-08-02. Review status: criteria provided, single submitter. Criteria: Ambry Variant Classification Scheme 2023. Collection method: clinical testing. Allele origin: germline.
Comment: The p.C736F variant (also known as c.2207G>T), located in coding exon 2 of the TNXB gene, results from a G to T substitution at nucleotide position 2207. The cysteine at codon 736 is replaced by phenylalanine, an amino acid with highly dissimilar properties. This amino acid position is conserved. In addition, the in silico prediction for this alteration is inconclusive. Since supporting evidence is limited at this time, the clinical significance of this alteration remains unclear.

NM_001365276.2(TNXB):c.2207G>T (p.Cys736Phe)

Gene: TNXB (tenascin XB; minus strand). Cytogenetic location: 6p21.33.
Variant type: single nucleotide variant.
Coding change: c.2207G>T on transcript NM_001365276.2 (MANE Select); coding-DNA position 2207, G replaced by T.
Protein change: p.Cys736Phe; replaces cysteine 736 with phenylalanine.
Molecular consequence: missense variant.
Genome position (GRCh38, 1-based): chr6:32,095,646, C>A on the plus strand (G>T on the coding strand, the complement: TNXB is on the minus strand). VCF-style: chr6-32095646-C-A. GRCh37 (hg19) VCF-style: chr6-32063423-C-A.
Other names: c.2207G>T, p.Cys736Phe (NM_019105.8); short protein forms C736F.
Identifiers: ClinVar variation 1787705 (VCV001787705.2), dbSNP rs1264056108, ClinGen allele CA363471082.
Genomic context (GRCh38, chr6:32,095,646, plus strand): 5'-ACACTGGGGAAGGCTGCCTGCTCACCTTCTCCGCAGTCTTCGCCAGCATACCCATCTTTG[C>A]AGACACAGCTGCCATCGTGACACTCTCCTCGGCCACGGCAGTCCCCTGGGCATGTCTGGA-3'
Protein context (NP_001352205.1, residues 726-746): RGECHDGSCV[Cys736Phe]KDGYAGEDCG